The following is an entry in ClinVar:

ClinVar aggregate classification (germline): Likely benign. Review status: criteria provided, multiple submitters, no conflicts (2 of 4 stars). 2 submissions from 2 submitters: Likely benign (2). Last evaluated 2025-12-28.

Conditions:
Autosomal recessive limb-girdle muscular dystrophy type 2J (LGMDR10). Also called: MUSCULAR DYSTROPHY, LIMB-GIRDLE, AUTOSOMAL RECESSIVE 10; Limb-girdle muscular dystrophy, type 2J. Identifiers: Orphanet 140922, MedGen C1837342, MONDO:0012127, OMIM 608807.
Dilated cardiomyopathy 1G (CMD1G). Identifiers: Orphanet 154, MedGen C1858763, MONDO:0011400, OMIM 604145.

Allele frequency attached by ClinVar (database versions not stated): gnomAD 0.00001; gnomAD exomes 0.00002; ExAC 0.00003; TOPMed 0.00003.
gnomAD v4.1: 58 of 1,611,290 alleles (0.0036%); highest among the groups gnomAD compares: Middle Eastern, 0.017%; no homozygotes.

Submissions (2):

Labcorp Genetics (formerly Invitae), Labcorp
Classification: Likely benign for Dilated cardiomyopathy 1G; Autosomal recessive limb-girdle muscular dystrophy type 2J. Last evaluated: 2025-12-28. Review status: criteria provided, single submitter. Criteria: Invitae Variant Classification Sherloc (09022015). Collection method: clinical testing. Allele origin: germline.

GeneDx
Classification: Likely benign. Last evaluated: 2017-11-09. Review status: criteria provided, single submitter. Criteria: GeneDx Variant Classification (06012015). Collection method: clinical testing. Allele origin: germline. Affected: yes.
Comment: This variant is considered likely benign or benign based on one or more of the following criteria: it is a conservative change, it occurs at a poorly conserved position in the protein, it is predicted to be benign by multiple in silico algorithms, and/or has population frequency not consistent with disease.

NM_001267550.2(TTN):c.66463+17G>A

Genes: TTN (titin; minus strand), TTN-AS1 (TTN antisense RNA 1; plus strand). Cytogenetic location: 2q31.2.
Variant type: single nucleotide variant.
Coding change: c.66463+17G>A on transcript NM_001267550.2 (MANE Select); 17 bases into the intron after coding-DNA position 66463, G replaced by A.
Molecular consequence: intron variant.
Genome position (GRCh38, 1-based): chr2:178,581,889, C>T on the plus strand (G>A on the coding strand, the complement: TTN is on the minus strand). VCF-style: chr2-178581889-C-T. GRCh37 (hg19) VCF-style: chr2-179446616-C-T.
Other names: c.61540+17G>A (NM_001256850.1); c.39268+17G>A (NM_003319.4); c.39844+17G>A (NM_133437.4); c.39643+17G>A (NM_133432.3); c.58759+17G>A (NM_133378.4).
Identifiers: ClinVar variation 513352 (VCV000513352.9), dbSNP rs202244470, ClinGen allele CA1991521.